The following is an entry in ClinVar:

NM_024675.4(PALB2):c.2515-3C>G

Gene: PALB2 (partner and localizer of BRCA2; minus strand). Cytogenetic location: 16p12.2.
Variant type: single nucleotide variant.
Coding change: c.2515-3C>G on transcript NM_024675.4 (MANE Select); 3 bases into the intron before coding-DNA position 2515, C replaced by G.
Molecular consequence: intron variant.
Genome position (GRCh38, 1-based): chr16:23,629,278, G>C on the plus strand (C>G on the coding strand, the complement: PALB2 is on the minus strand). VCF-style: chr16-23629278-G-C. GRCh37 (hg19) VCF-style: chr16-23640599-G-C.
Identifiers: ClinVar variation 630725 (VCV000630725.30), dbSNP rs957106428, ClinGen allele CA913188732.

ClinVar aggregate classification (germline): Uncertain significance. Review status: criteria provided, multiple submitters, no conflicts (2 of 4 stars). 7 submissions from 7 submitters: Uncertain significance (7). Last evaluated 2024-12-01.

Conditions:
Hereditary cancer-predisposing syndrome. Also called: Neoplastic Syndromes, Hereditary; Hereditary Cancer Syndrome; Tumor predisposition; Hereditary neoplastic syndrome. Identifiers: Orphanet 140162, MedGen C0027672, MeSH D009386, MONDO:0015356.
Familial cancer of breast. Also called: hereditary breast carcinoma; Hereditary breast cancer; BREAST CANCER, FAMILIAL. Identifiers: Orphanet 227535, MedGen C0346153, MONDO:0016419, OMIM 114480. Disease mechanism: loss of function.

Submissions (7):

CeGaT Center for Human Genetics Tuebingen
Classification: Uncertain significance. Last evaluated: 2024-12-01. Review status: criteria provided, single submitter. Criteria: CeGaT Center For Human Genetics Tuebingen Variant Classification Criteria Version 2. Collection method: clinical testing. Allele origin: germline. Affected: yes. Observed: 1 variant allele.
Comment: PALB2: PM2, PP3

Ambry Genetics
Classification: Uncertain significance for Hereditary cancer-predisposing syndrome. Last evaluated: 2024-05-22. Review status: criteria provided, single submitter. Criteria: Ambry Variant Classification Scheme 2023. Collection method: clinical testing. Allele origin: germline.
Comment: The c.2515-3C>G intronic variant results from a C to G substitution 3 nucleotides upstream from coding exon 6 in the PALB2 gene. This nucleotide position is highly conserved in available vertebrate species. In silico splice site analysis predicts that this alteration will weaken the native splice acceptor site and will result in the creation or strengthening of a novel splice acceptor site; however, direct evidence is insufficient at this time (Ambry internal data). Based on the available evidence, the clinical significance of this variant remains unclear.

Baylor Genetics
Classification: Uncertain significance for Familial cancer of breast. Last evaluated: 2023-04-20. Review status: criteria provided, single submitter. Criteria: ACMG Guidelines, 2015. Collection method: clinical testing. Allele origin: unknown.

Labcorp Genetics (formerly Invitae), Labcorp
Classification: Uncertain significance for Familial cancer of breast. Last evaluated: 2023-04-14. Review status: criteria provided, single submitter. Criteria: Invitae Variant Classification Sherloc (09022015). Collection method: clinical testing. Allele origin: germline.
Comment: In summary, the available evidence is currently insufficient to determine the role of this variant in disease. Therefore, it has been classified as a Variant of Uncertain Significance. This sequence change falls in intron 5 of the PALB2 gene. It does not directly change the encoded amino acid sequence of the PALB2 protein. It affects a nucleotide within the consensus splice site. This variant is not present in population databases (gnomAD no frequency). This variant has not been reported in the literature in individuals affected with PALB2-related conditions. ClinVar contains an entry for this variant (Variation ID: 630725). Variants that disrupt the consensus splice site are a relatively common cause of aberrant splicing (PMID: 17576681, 9536098). Algorithms developed to predict the effect of sequence changes on RNA splicing suggest that this variant may disrupt the consensus splice site.

Women's Health and Genetics/Laboratory Corporation of America, LabCorp
Classification: Uncertain significance. Last evaluated: 2021-06-28. Review status: criteria provided, single submitter. Criteria: LabCorp Variant Classification Summary - May 2015. Collection method: clinical testing. Allele origin: germline.
Comment: Variant summary: PALB2 c.2515-3C>G alters a conserved nucleotide located close to a canonical splice site and therefore could affect mRNA splicing, leading to a significantly altered protein sequence. Several computational tools predict a significant impact on normal splicing: Four predict the variant weakens a cryptic 3' acceptor site. However, these predictions have yet to be confirmed by functional studies. The variant was absent in 251010 control chromosomes. The available data on variant occurrences in the general population are insufficient to allow any conclusion about variant significance. To our knowledge, no occurrence of c.2515-3C>G in individuals affected with Breast Cancer and no experimental evidence demonstrating its impact on protein function have been reported. Two clinical diagnostic laboratories have submitted clinical-significance assessments for this variant to ClinVar after 2014 without evidence for independent evaluation. All laboratories classified the variant as uncertain significance. Based on the evidence outlined above, the variant was classified as uncertain significance.

Quest Diagnostics Nichols Institute San Juan Capistrano
Classification: Uncertain significance. Last evaluated: 2021-03-15. Review status: criteria provided, single submitter. Criteria: Quest Diagnostics criteria. Collection method: clinical testing. Allele origin: unknown.

Color Diagnostics, LLC DBA Color Health
Classification: Uncertain significance for Hereditary cancer-predisposing syndrome. Last evaluated: 2018-12-21. Review status: criteria provided, single submitter. Criteria: ACMG Guidelines, 2015. Collection method: clinical testing. Allele origin: germline.

Literature cited by the submitters: PubMed 17576681 (cited by Labcorp Genetics (formerly Invitae), Labcorp); PubMed 9536098 (cited by Labcorp Genetics (formerly Invitae), Labcorp).